The following is an entry in ClinVar:

NM_001927.4(DES):c.917C>T (p.Ala306Val)

Gene: DES (desmin; plus strand). Cytogenetic location: 2q35.
Variant type: single nucleotide variant.
Coding change: c.917C>T on transcript NM_001927.4 (MANE Select); coding-DNA position 917, C replaced by T.
Protein change: p.Ala306Val; replaces alanine 306 with valine.
Molecular consequence: missense variant. On other transcripts: intron variant (1).
Genome position (GRCh38, 1-based): chr2:219,420,847, C>T. VCF-style: chr2-219420847-C-T. GRCh37 (hg19) VCF-style: chr2-220285569-C-T.
Other names: c.914C>T, p.Ala305Val (NM_001382708.1); c.917C>T, p.Ala306Val (NM_001382710.1, NM_001382711.1, NM_001382712.1); c.647C>T, p.Ala216Val (NM_001382713.1); c.735+501C>T (NM_001382709.1); short protein forms A216V, A305V, A306V.
Identifiers: ClinVar variation 4071709 (VCV004071709.1).

ClinVar aggregate classification (germline): Uncertain significance (1 of 4 stars; one submission).

gnomAD v4.1: 2 of 1,613,738 alleles (0.00012%); highest among the groups gnomAD compares: South Asian, 0.0011%; no homozygotes.

Submission:

GeneDx
Classification: Uncertain significance. Last evaluated: 2025-01-22. Review status: criteria provided, single submitter. Criteria: GeneDx Variant Classification Process June 2021. Collection method: clinical testing. Allele origin: germline. Affected: yes.
Comment: Not observed at significant frequency in large population cohorts (gnomAD); In silico analysis supports that this missense variant has a deleterious effect on protein structure/function; Has not been previously published as pathogenic or benign to our knowledge; This variant is associated with the following publications: (PMID: 26807690)